The following is an entry in ClinVar:

ClinVar aggregate classification (germline): Uncertain significance (1 of 4 stars; one submission).

Conditions:
Rienhoff syndrome. Also called: LOEYS-DIETZ SYNDROME 5. Identifiers: MedGen C3810012, MONDO:0014262, OMIM 615582.

Allele frequency attached by ClinVar (database versions not stated): gnomAD exomes below 0.00001; TOPMed below 0.00001.
gnomAD v4.1: 1 of 1,614,112 alleles (0.000062%); highest among the groups gnomAD compares: East Asian, 0.0022%; no homozygotes.

Submission:

Labcorp Genetics (formerly Invitae), Labcorp
Classification: Uncertain significance for Rienhoff syndrome. Last evaluated: 2020-02-22. Review status: criteria provided, single submitter. Criteria: Invitae Variant Classification Sherloc (09022015). Collection method: clinical testing. Allele origin: germline.
Comment: This sequence change replaces aspartic acid with histidine at codon 303 of the TGFB3 protein (p.Asp303His). The aspartic acid residue is highly conserved and there is a moderate physicochemical difference between aspartic acid and histidine. This variant is not present in population databases (ExAC no frequency). This variant has not been reported in the literature in individuals with TGFB3-related conditions. Algorithms developed to predict the effect of missense changes on protein structure and function are either unavailable or do not agree on the potential impact of this missense change (SIFT: "Tolerated"; PolyPhen-2: "Probably Damaging"; Align-GVGD: "Class C0"). In summary, the available evidence is currently insufficient to determine the role of this variant in disease. Therefore, it has been classified as a Variant of Uncertain Significance.

NM_003239.5(TGFB3):c.907G>C (p.Asp303His)

Gene: TGFB3 (transforming growth factor beta 3; minus strand). Cytogenetic location: 14q24.3.
Variant type: single nucleotide variant.
Coding change: c.907G>C on transcript NM_003239.5 (MANE Select); coding-DNA position 907, G replaced by C.
Protein change: p.Asp303His; replaces aspartic acid 303 with histidine.
Molecular consequence: missense variant.
Genome position (GRCh38, 1-based): chr14:75,963,335, C>G on the plus strand (G>C on the coding strand, the complement: TGFB3 is on the minus strand). VCF-style: chr14-75963335-C-G. GRCh37 (hg19) VCF-style: chr14-76429678-C-G.
Other names: c.907G>C, p.Asp303His (NM_001329938.2, NM_001329939.2); short protein forms D303H.
Identifiers: ClinVar variation 1040824 (VCV001040824.9), dbSNP rs2035180646, ClinGen allele CA390468181.